The following is an entry in ClinVar:

ClinVar aggregate classification (germline): Uncertain significance (1 of 4 stars; one submission).

Allele frequency attached by ClinVar (database versions not stated): gnomAD exomes below 0.00001; TOPMed 0.00001.

Submission:

GeneDx
Classification: Uncertain significance. Last evaluated: 2025-11-06. Review status: criteria provided, single submitter. Criteria: GeneDx Variant Classification Process June 2021. Collection method: clinical testing. Allele origin: germline.
Comment: Not observed at significant frequency in large population cohorts (gnomAD); In silico analysis supports that this missense variant has a deleterious effect on protein structure/function; Has not been previously published as pathogenic or benign to our knowledge

NM_001005273.3(CHD3):c.3115G>A (p.Ala1039Thr)

Gene: CHD3 (chromodomain helicase DNA binding protein 3; plus strand). Cytogenetic location: 17p13.1.
Variant type: single nucleotide variant.
Coding change: c.3115G>A on transcript NM_001005273.3 (MANE Select); coding-DNA position 3115, G replaced by A.
Protein change: p.Ala1039Thr; replaces alanine 1039 with threonine.
Molecular consequence: missense variant.
Genome position (GRCh38, 1-based): chr17:7,900,988, G>A. VCF-style: chr17-7900988-G-A. GRCh37 (hg19) VCF-style: chr17-7804306-G-A.
Other names: c.3292G>A, p.Ala1098Thr (NM_001005271.3); c.3115G>A, p.Ala1039Thr (NM_005852.4); short protein forms A1039T, A1098T.
Identifiers: ClinVar variation 2444558 (VCV002444558.2), dbSNP rs1369690909, ClinGen allele CA397941113.